The following is an entry in ClinVar:

NM_004408.4(DNM1):c.632A>T (p.Asp211Val)

Gene: DNM1 (dynamin 1; plus strand). Cytogenetic location: 9q34.11.
Variant type: single nucleotide variant.
Coding change: c.632A>T on transcript NM_004408.4 (MANE Select); coding-DNA position 632, A replaced by T.
Protein change: p.Asp211Val; replaces aspartic acid 211 with valine.
Molecular consequence: missense variant.
Genome position (GRCh38, 1-based): chr9:128,220,030, A>T. VCF-style: chr9-128220030-A-T. GRCh37 (hg19) VCF-style: chr9-130982309-A-T.
Other names: c.632A>T, p.Asp211Val (NM_001005336.3, NM_001288737.2, NM_001288738.2 and 2 more transcripts); c.632A>T (NM_004408.3); short protein forms D211V.
Identifiers: ClinVar variation 1803022 (VCV001803022.2), dbSNP rs2538984042, ClinGen allele CA375012401.

ClinVar aggregate classification (germline): Pathogenic/Likely pathogenic. Review status: criteria provided, multiple submitters, no conflicts (2 of 4 stars). 2 submissions from 2 submitters: Pathogenic (1); Likely pathogenic (1). Last evaluated 2025-05-08.

Conditions:
Developmental and epileptic encephalopathy, 31A. Also called: Epileptic encephalopathy, early infantile, 31; Developmental and epileptic encephalopathy, 31. Identifiers: Orphanet 2382, MedGen C4225357, MONDO:0014598, OMIM 616346.

Submissions (2):

GeneDx
Classification: Pathogenic. Last evaluated: 2025-05-08. Review status: criteria provided, single submitter. Criteria: GeneDx Variant Classification Process June 2021. Collection method: clinical testing. Allele origin: germline. Affected: yes.
Comment: Not observed at significant frequency in large population cohorts (gnomAD); In silico analysis supports that this missense variant has a deleterious effect on protein structure/function; This variant is associated with the following publications: (PMID: 29455050, 36619507, 37248033)

Diagnostic Genetics, Severance Hospital, Yonsei University College of Medicine
Classification: Likely pathogenic for Developmental and epileptic encephalopathy, 31A. Last evaluated: 2022-02-03. Review status: criteria provided, single submitter. Criteria: ACMG Guidelines, 2015. Collection method: clinical testing. Allele origin: de novo. Affected: yes.